The following is an entry in ClinVar:

NM_020778.5(ALPK3):c.861C>T (p.Asp287=)

Gene: ALPK3 (alpha kinase 3; plus strand). Cytogenetic location: 15q25.3.
Variant type: single nucleotide variant.
Coding change: c.861C>T on transcript NM_020778.5 (MANE Select); coding-DNA position 861, C replaced by T.
Protein change: p.Asp287=; no amino-acid change (aspartic acid 287 retained).
Molecular consequence: synonymous variant.
Genome position (GRCh38, 1-based): chr15:84,840,140, C>T. VCF-style: chr15-84840140-C-T. GRCh37 (hg19) VCF-style: chr15-85383371-C-T.
Identifiers: ClinVar variation 515563 (VCV000515563.10), dbSNP rs1287657567, ClinGen allele CA492277849.

ClinVar aggregate classification (germline): Likely benign. Review status: criteria provided, multiple submitters, no conflicts (2 of 4 stars). 4 submissions from 4 submitters: Likely benign (4). Last evaluated 2025-11-22.

Conditions:
ALPK3-related disorder. Also called: ALPK3-related condition.
Cardiovascular phenotype. Identifiers: MedGen CN230736.

Allele frequency attached by ClinVar (database versions not stated): gnomAD 0.00001; TOPMed 0.00001; gnomAD exomes 0.00003.
gnomAD v4.1: 44 of 1,613,666 alleles (0.0027%); highest among the groups gnomAD compares: Non-Finnish European, 0.0035%; no homozygotes.

Submissions (4):

Labcorp Genetics (formerly Invitae), Labcorp
Classification: Likely benign. Last evaluated: 2025-11-22. Review status: criteria provided, single submitter. Criteria: Invitae Variant Classification Sherloc (09022015). Collection method: clinical testing. Allele origin: germline.

PreventionGenetics, part of Exact Sciences
Classification: Likely benign for ALPK3-related condition. Last evaluated: 2025-10-23. Review status: criteria provided, single submitter. Criteria: ACMG Guidelines, 2015. Collection method: clinical testing. Allele origin: germline.
Comment: This variant is classified as likely benign based on ACMG/AMP sequence variant interpretation guidelines (Richards et al. 2015 PMID: 25741868, with internal and published modifications).

Ambry Genetics
Classification: Likely benign for Cardiovascular phenotype. Last evaluated: 2022-06-06. Review status: criteria provided, single submitter. Criteria: Ambry Variant Classification Scheme 2023. Collection method: clinical testing. Allele origin: germline.

GeneDx
Classification: Likely benign. Last evaluated: 2021-08-09. Review status: criteria provided, single submitter. Criteria: GeneDx Variant Classification Process June 2021. Collection method: clinical testing. Allele origin: germline. Affected: yes.